The following is an entry in ClinVar:

ClinVar aggregate classification (germline): Uncertain significance (1 of 4 stars; one submission).

Conditions:
PHF6-related disorder. Also called: PHF6-related condition.

gnomAD v4.1: 1 of 1,211,147 alleles (0.000083%); highest among the groups gnomAD compares: Non-Finnish European, 0.00011%; no homozygotes.

Submission:

PreventionGenetics, part of Exact Sciences
Classification: Uncertain significance for PHF6-related condition. Last evaluated: 2024-10-25. Review status: criteria provided, single submitter. Criteria: ACMG Guidelines, 2015. Collection method: clinical testing. Allele origin: germline.
Comment: The PHF6 c.548C>T variant is predicted to result in the amino acid substitution p.Ser183Phe. To our knowledge, this variant has not been reported in the literature. This variant is reported in 0.0012% of alleles in individuals of European (Non-Finnish) descent in gnomAD. At this time, the clinical significance of this variant is uncertain due to the absence of conclusive functional and genetic evidence.

NM_001015877.2(PHF6):c.548C>T (p.Ser183Phe)

Gene: PHF6 (PHD finger protein 6; plus strand). Cytogenetic location: Xq26.2.
Variant type: single nucleotide variant.
Coding change: c.548C>T on transcript NM_001015877.2 (MANE Select); coding-DNA position 548, C replaced by T.
Protein change: p.Ser183Phe; replaces serine 183 with phenylalanine.
Molecular consequence: missense variant.
Genome position (GRCh38, 1-based): chrX:134,413,620, C>T. VCF-style: chrX-134413620-C-T. GRCh37 (hg19) VCF-style: chrX-133547650-C-T.
Other names: c.551C>T, p.Ser184Phe (NM_032335.3); c.548C>T, p.Ser183Phe (NM_032458.3); short protein forms S183F, S184F.
Identifiers: ClinVar variation 4996795 (VCV004996795.1).